The following is an entry in ClinVar:

ClinVar aggregate classification (germline): Likely pathogenic (1 of 4 stars; one submission).

Conditions:
Low phospholipid associated cholelithiasis (GBD1). Also called: Gallbladder disease 1; Gallstone cholecystitis. Identifiers: Orphanet 69663, MedGen C2609268, MONDO:0010939, OMIM 600803.

Submission:

Genomenon, Inc
Classification: Likely pathogenic for Low phospholipid associated cholelithiasis. Last evaluated: 2026-04-14. Review status: criteria provided, single submitter. Criteria: Genomenon Sequence Variant Interpretation Standards - Updated. Collection method: curation. Allele origin: germline. Affected: yes.
Comment: ABCB4 p.Arg47Gly (c.139C>G) is a missense variant that changes the amino acid at residue 47 from Arginine to Glycine. This variant has been observed in at least one proband with an ABCB4-related disorder (PMID:23533021). At least one functional study has demonstrated a substantial alteration in protein function relative to the wild-type (PMID:24723470). The presence of pathogenic/likely pathogenic missense variant(s) at the same amino acid position indicates that this residue is likely important for protein function. It is absent or not present at a significant frequency in gnomAD. In silico models predict that this variant is possibly or probably damaging. In conclusion, we classify ABCB4 p.Arg47Gly (c.139C>G) as a likely pathogenic variant.

Literature cited by the submitters: PubMed 23533021; PubMed 24723470.

NM_000443.4(ABCB4):c.139C>G (p.Arg47Gly)

Gene: ABCB4 (ATP binding cassette subfamily B member 4; minus strand). Cytogenetic location: 7q21.12.
Variant type: single nucleotide variant.
Coding change: c.139C>G on transcript NM_000443.4 (MANE Select); coding-DNA position 139, C replaced by G.
Protein change: p.Arg47Gly; replaces arginine 47 with glycine.
Molecular consequence: missense variant.
Genome position (GRCh38, 1-based): chr7:87,462,905, G>C on the plus strand (C>G on the coding strand, the complement: ABCB4 is on the minus strand). VCF-style: chr7-87462905-G-C. GRCh37 (hg19) VCF-style: chr7-87092221-G-C.
Other names: c.139C>G, p.Arg47Gly (NM_018849.3, NM_018850.3); short protein forms R47G.
Identifiers: ClinVar variation 4846605 (VCV004846605.1).